The following is an entry in ClinVar:

NM_173630.4(RTTN):c.2650T>C (p.Cys884Arg)

Gene: RTTN (rotatin; minus strand). Cytogenetic location: 18q22.2.
Variant type: single nucleotide variant.
Coding change: c.2650T>C on transcript NM_173630.4 (MANE Select); coding-DNA position 2650, T replaced by C.
Protein change: p.Cys884Arg; replaces cysteine 884 with arginine.
Molecular consequence: missense variant. On other transcripts: intron variant (1).
Genome position (GRCh38, 1-based): chr18:70,140,120, A>G on the plus strand (T>C on the coding strand, the complement: RTTN is on the minus strand). VCF-style: chr18-70140120-A-G. GRCh37 (hg19) VCF-style: chr18-67807356-A-G.
Other names: c.-66-404T>C (NM_001318520.2); short protein forms C884R.
Identifiers: ClinVar variation 1915132 (VCV001915132.5), dbSNP rs1166274703, ClinGen allele CA402691496.

ClinVar aggregate classification (germline): Uncertain significance (1 of 4 stars; one submission).

Allele frequency attached by ClinVar (database versions not stated): gnomAD exomes below 0.00001; gnomAD 0.00001; TOPMed 0.00001.
gnomAD v4.1: 6 of 1,597,152 alleles (0.00038%); highest among the groups gnomAD compares: Admixed American, 0.005%; no homozygotes.

Submission:

Labcorp Genetics (formerly Invitae), Labcorp
Classification: Uncertain significance. Last evaluated: 2024-10-07. Review status: criteria provided, single submitter. Criteria: Invitae Variant Classification Sherloc (09022015). Collection method: clinical testing. Allele origin: germline.
Comment: This sequence change replaces cysteine, which is neutral and slightly polar, with arginine, which is basic and polar, at codon 884 of the RTTN protein (p.Cys884Arg). This variant is not present in population databases (gnomAD no frequency). This variant has not been reported in the literature in individuals affected with RTTN-related conditions. ClinVar contains an entry for this variant (Variation ID: 1915132). Invitae Evidence Modeling of protein sequence and biophysical properties (such as structural, functional, and spatial information, amino acid conservation, physicochemical variation, residue mobility, and thermodynamic stability) indicates that this missense variant is expected to disrupt RTTN protein function with a positive predictive value of 80%. In summary, the available evidence is currently insufficient to determine the role of this variant in disease. Therefore, it has been classified as a Variant of Uncertain Significance.